The following is an entry in ClinVar:

NM_005027.4(PIK3R2):c.1694C>G (p.Pro565Arg)

Gene: PIK3R2 (phosphoinositide-3-kinase regulatory subunit 2; plus strand). Cytogenetic location: 19p13.11.
Variant type: single nucleotide variant.
Coding change: c.1694C>G on transcript NM_005027.4 (MANE Select); coding-DNA position 1694, C replaced by G.
Protein change: p.Pro565Arg; replaces proline 565 with arginine.
Molecular consequence: missense variant. On other transcripts: non-coding transcript variant (2).
Genome position (GRCh38, 1-based): chr19:18,167,264, C>G. VCF-style: chr19-18167264-C-G. GRCh37 (hg19) VCF-style: chr19-18278074-C-G.
Other names: c.1694C>G, p.Pro565Arg (LRG_1392t1); short protein forms P565R.
Identifiers: ClinVar variation 429932 (VCV000429932.33), dbSNP rs1131691683, ClinGen allele CA404814319.

ClinVar aggregate classification (germline): Conflicting classifications of pathogenicity. Review status: criteria provided, conflicting classifications (1 of 4 stars). 5 submissions from 5 submitters: Pathogenic (2); Uncertain significance (3). Last evaluated 2026-09-24.

Conditions:
Megalencephaly-polymicrogyria-postaxial polydactyly-hydrocephalus syndrome. Also called: MEG-PMG-MEGACC SYNDROME; MPPH Syndrome. Identifiers: Orphanet 83473, MedGen C1863924, MONDO:0019375.

Submissions (5):

GeneDx
Classification: Pathogenic. Last evaluated: 2026-09-24. Review status: criteria provided, single submitter. Criteria: GeneDx Variant Classification Process June 2021. Collection method: clinical testing. Allele origin: germline.
Comment: Not observed at significant frequency in large population cohorts (gnomAD); In silico analysis supports that this missense variant has a deleterious effect on protein structure/function; This variant is associated with the following publications: (PMID: 35982159, 33057194)

CeGaT Center for Human Genetics Tuebingen
Classification: Uncertain significance. Last evaluated: 2024-02-01. Review status: criteria provided, single submitter. Criteria: CeGaT Center For Human Genetics Tuebingen Variant Classification Criteria Version 2. Collection method: clinical testing. Allele origin: germline. Affected: yes. Observed: 1 variant allele.
Comment: PIK3R2: PM2

Labcorp Genetics (formerly Invitae), Labcorp
Classification: Uncertain significance for Megalencephaly-polymicrogyria-postaxial polydactyly-hydrocephalus syndrome. Last evaluated: 2022-06-28. Review status: criteria provided, single submitter. Criteria: Invitae Variant Classification Sherloc (09022015). Collection method: clinical testing. Allele origin: germline.
Comment: ClinVar contains an entry for this variant (Variation ID: 429932). Advanced modeling of protein sequence and biophysical properties (such as structural, functional, and spatial information, amino acid conservation, physicochemical variation, residue mobility, and thermodynamic stability) performed at Invitae indicates that this missense variant is expected to disrupt PIK3R2 protein function. In summary, the available evidence is currently insufficient to determine the role of this variant in disease. Therefore, it has been classified as a Variant of Uncertain Significance. This sequence change replaces proline, which is neutral and non-polar, with arginine, which is basic and polar, at codon 565 of the PIK3R2 protein (p.Pro565Arg). This variant is not present in population databases (gnomAD no frequency). This variant has not been reported in the literature in individuals affected with PIK3R2-related conditions.

Laboratory of Molecular Genetics (Pr. Bezieau's lab), CHU de Nantes
Classification: Pathogenic. Last evaluated: 2019-05-17. Review status: criteria provided, single submitter. Criteria: ACMG Guidelines, 2015. Collection method: clinical testing. Allele origin: germline. Affected: yes.

Institute for Medical Genetics and Human Genetics, Charité - Universitätsmedizin Berlin
Classification: Uncertain significance. Review status: criteria provided, single submitter. Criteria: ACMG Guidelines, 2015. Collection method: not provided. Allele origin: germline. Affected: yes.